The following is an entry in ClinVar:

ClinVar aggregate classification (germline): Conflicting classifications of pathogenicity. Review status: criteria provided, conflicting classifications (1 of 4 stars). 4 submissions from 4 submitters: Uncertain significance (3); Likely benign (1). Last evaluated 2025-03-05.

Conditions:
Inborn genetic diseases. Identifiers: MedGen C0950123, MeSH D030342.
Hereditary spherocytosis type 1. Also called: Spherocytosis type 1; ANK1-Related Spherocytosis. Identifiers: Orphanet 822, MedGen C2674218, MONDO:0008447, OMIM 182900.

Allele frequency attached by ClinVar (database versions not stated): gnomAD exomes 0.00002 and 0.00006; ExAC 0.00007; ESP Exome Variant Server 0.00015; gnomAD 0.00019 and 0.00023; 1000 Genomes Project 0.00020; TOPMed 0.00022; 1000 Genomes Project 30x 0.00031.
gnomAD v4.1: 63 of 1,613,848 alleles (0.0039%); highest among the groups gnomAD compares: African/African-American, 0.053%; no homozygotes.

Submissions (4):

Ambry Genetics
Classification: Uncertain significance for Inborn genetic diseases. Last evaluated: 2025-03-05. Review status: criteria provided, single submitter. Criteria: Ambry Variant Classification Scheme 2023. Collection method: clinical testing. Allele origin: germline.

Labcorp Genetics (formerly Invitae), Labcorp
Classification: Uncertain significance. Last evaluated: 2025-01-13. Review status: criteria provided, single submitter. Criteria: Invitae Variant Classification Sherloc (09022015). Collection method: clinical testing. Allele origin: germline.
Comment: This sequence change replaces valine, which is neutral and non-polar, with isoleucine, which is neutral and non-polar, at codon 1100 of the ANK1 protein (p.Val1100Ile). This variant is present in population databases (rs147741842, gnomAD 0.07%), and has an allele count higher than expected for a pathogenic variant. This variant has not been reported in the literature in individuals affected with ANK1-related conditions. ClinVar contains an entry for this variant (Variation ID: 1679466). Invitae Evidence Modeling of protein sequence and biophysical properties (such as structural, functional, and spatial information, amino acid conservation, physicochemical variation, residue mobility, and thermodynamic stability) indicates that this missense variant is expected to disrupt ANK1 protein function with a positive predictive value of 80%. In summary, the available evidence is currently insufficient to determine the role of this variant in disease. Therefore, it has been classified as a Variant of Uncertain Significance.

ARUP Laboratories, Molecular Genetics and Genomics, ARUP Laboratories
Classification: Likely benign for Hereditary spherocytosis type 1. Last evaluated: 2022-01-26. Review status: criteria provided, single submitter. Criteria: ARUP Molecular Germline Variant Investigation Process 2021. Collection method: clinical testing. Allele origin: germline.

Revvity Omics, Revvity
Classification: Uncertain significance for Hereditary spherocytosis type 1. Last evaluated: 2021-07-16. Review status: criteria provided, single submitter. Criteria: ACMG Guidelines, 2015. Collection method: clinical testing. Allele origin: germline.

NM_000037.4(ANK1):c.3298G>A (p.Val1100Ile)

Gene: ANK1 (ankyrin 1; minus strand). Cytogenetic location: 8p11.21.
Variant type: single nucleotide variant.
Coding change: c.3298G>A on transcript NM_000037.4 (MANE Select); coding-DNA position 3298, G replaced by A.
Protein change: p.Val1100Ile; replaces valine 1100 with isoleucine.
Molecular consequence: missense variant.
Genome position (GRCh38, 1-based): chr8:41,694,621, C>T on the plus strand (G>A on the coding strand, the complement: ANK1 is on the minus strand). VCF-style: chr8-41694621-C-T. GRCh37 (hg19) VCF-style: chr8-41552139-C-T.
Other names: c.3298G>A (NM_000037.3); c.3421G>A, p.Val1141Ile (NM_001142446.2); c.3298G>A, p.Val1100Ile (NM_020475.3, NM_020476.3, NM_020477.3); short protein forms V1100I, V1141I.
Identifiers: ClinVar variation 1679466 (VCV001679466.12), dbSNP rs147741842, ClinGen allele CA4727921.